The following is an entry in ClinVar:

NM_001372051.1(CASP8):c.960G>A (p.Lys320=)

Gene: CASP8 (caspase 8; plus strand). Cytogenetic location: 2q33.1.
Variant type: single nucleotide variant.
Coding change: c.960G>A on transcript NM_001372051.1 (MANE Select); coding-DNA position 960, G replaced by A.
Protein change: p.Lys320=; no amino-acid change (lysine 320 retained).
Molecular consequence: synonymous variant. On other transcripts: non-coding transcript variant (22), intron variant (1).
Genome position (GRCh38, 1-based): chr2:201,284,973, G>A. VCF-style: chr2-201284973-G-A. GRCh37 (hg19) VCF-style: chr2-202149696-G-A.
Other names: p.Lys337=; c.753G>A, p.Lys251= (NM_001400666.1); c.708G>A, p.Lys236= (NM_001400667.1, NM_001400668.1); c.651G>A, p.Lys217= (NM_001400669.1); c.363G>A, p.Lys121= (NM_001400671.1, NM_001400672.1, NM_001400750.1 and 1 more transcripts); c.345G>A, p.Lys115= (NM_001400680.1, NM_001400674.1); c.318G>A, p.Lys106= (NM_001400751.1, NM_001400676.1, NM_001400677.1 and 2 more transcripts); c.960G>A, p.Lys320= (NM_033355.4, NM_001400648.1, NM_001400651.1 and 5 more transcripts); and 8 more.
Identifiers: ClinVar variation 333505 (VCV000333505.18), dbSNP rs1045487, ClinGen allele CA2053727.

ClinVar aggregate classification (germline): Benign. Review status: criteria provided, multiple submitters, no conflicts (2 of 4 stars). 6 submissions from 6 submitters: Benign (6). Last evaluated 2026-02-04.

Conditions:
Autoimmune lymphoproliferative syndrome type 2B. Also called: AUTOIMMUNE LYMPHOPROLIFERATIVE SYNDROME, TYPE IIB. Identifiers: Orphanet 275517, MedGen C1846545, MONDO:0011804, OMIM 607271.

Allele frequency attached by ClinVar (database versions not stated): gnomAD exomes 0.06866 and 0.09477; gnomAD 0.09873 and 0.10420; ExAC 0.10200; ESP Exome Variant Server 0.10618; TOPMed 0.10662; 1000 Genomes Project 30x 0.17333; 1000 Genomes Project 0.17532.
gnomAD v4.1: 117,025 of 1,613,906 alleles (7.3%); highest among the groups gnomAD compares: South Asian, 25%; 7,856 homozygotes.

Submissions (6):

Labcorp Genetics (formerly Invitae), Labcorp
Classification: Benign for Autoimmune lymphoproliferative syndrome type 2B. Last evaluated: 2026-02-04. Review status: criteria provided, single submitter. Criteria: Invitae Variant Classification Sherloc (09022015). Collection method: clinical testing. Allele origin: germline.

Women's Health and Genetics/Laboratory Corporation of America, LabCorp
Classification: Benign. Last evaluated: 2026-01-21. Review status: criteria provided, single submitter. Criteria: LabCorp Variant Classification Summary - May 2015. Collection method: clinical testing. Allele origin: germline.

Mayo Clinic Laboratories, Mayo Clinic
Classification: Benign. Last evaluated: 2022-09-06. Review status: criteria provided, single submitter. Criteria: ACMG Guidelines, 2015. Collection method: clinical testing. Allele origin: germline. Observed: 88 variant alleles.

Illumina Laboratory Services, Illumina
Classification: Benign for Autoimmune lymphoproliferative syndrome type 2B. Last evaluated: 2018-01-13. Review status: criteria provided, single submitter. Criteria: ICSL Variant Classification Criteria 13 December 2019. Collection method: clinical testing. Allele origin: germline.
Comment: This variant was observed in the ICSL laboratory as part of a predisposition screen in an ostensibly healthy population. It had not been previously curated by ICSL or reported in the Human Gene Mutation Database (HGMD: prior to June 1st, 2018), and was therefore a candidate for classification through an automated scoring system. Utilizing variant allele frequency, disease prevalence and penetrance estimates, and inheritance mode, an automated score was calculated to assess if this variant is too frequent to cause the disease. Based on the score and internal cut-off values, a variant classified as benign is not then subjected to further curation. The score for this variant resulted in a classification of benign for this disease.

GeneDx
Classification: Benign. Last evaluated: 2015-03-03. Review status: criteria provided, single submitter. Criteria: GeneDx Variant Classification Process June 2021. Collection method: clinical testing. Allele origin: germline. Affected: yes.

Breakthrough Genomics
Classification: Benign. Review status: criteria provided, single submitter. Criteria: ACMG Guidelines, 2015. Collection method: not provided. Allele origin: germline. Inheritance: Autosomal recessive inheritance. Affected: yes.